The following is an entry in ClinVar:

ClinVar aggregate classification (germline): Uncertain significance. Review status: criteria provided, multiple submitters, no conflicts (2 of 4 stars). 2 submissions from 2 submitters: Uncertain significance (2). Last evaluated 2023-08-17.

Allele frequency attached by ClinVar (database versions not stated): ExAC 0.00001; gnomAD 0.00002; TOPMed 0.00003.
gnomAD v4.1: 38 of 1,614,108 alleles (0.0024%); highest among the groups gnomAD compares: East Asian, 0.022%; no homozygotes.

Submissions (2):

Labcorp Genetics (formerly Invitae), Labcorp
Classification: Uncertain significance. Last evaluated: 2023-08-17. Review status: criteria provided, single submitter. Criteria: Invitae Variant Classification Sherloc (09022015). Collection method: clinical testing. Allele origin: germline.
Comment: This sequence change replaces valine, which is neutral and non-polar, with methionine, which is neutral and non-polar, at codon 109 of the C2 protein (p.Val109Met). This variant is present in population databases (rs752154314, gnomAD 0.06%). This variant has not been reported in the literature in individuals affected with C2-related conditions. ClinVar contains an entry for this variant (Variation ID: 2055423). An algorithm developed to predict the effect of missense changes on protein structure and function (PolyPhen-2) suggests that this variant is likely to be disruptive. In summary, the available evidence is currently insufficient to determine the role of this variant in disease. Therefore, it has been classified as a Variant of Uncertain Significance.

Ambry Genetics
Classification: Uncertain significance. Last evaluated: 2022-06-09. Review status: criteria provided, single submitter. Criteria: Ambry Variant Classification Scheme 2023. Collection method: clinical testing. Allele origin: germline.

NM_000063.6(C2):c.325G>A (p.Val109Met)

Gene: C2 (complement C2; plus strand). Cytogenetic location: 6p21.33.
Variant type: single nucleotide variant.
Coding change: c.325G>A on transcript NM_000063.6 (MANE Select); coding-DNA position 325, G replaced by A.
Protein change: p.Val109Met; replaces valine 109 with methionine.
Molecular consequence: missense variant. On other transcripts: genic upstream transcript variant (2), intron variant (1).
Genome position (GRCh38, 1-based): chr6:31,928,800, G>A. VCF-style: chr6-31928800-G-A. GRCh37 (hg19) VCF-style: chr6-31896577-G-A.
Other names: c.238G>A, p.Val80Met (NM_001282458.2); c.325G>A, p.Val109Met (NM_001282459.2); c.-63-4810G>A (NM_001282457.2); c.74-4810G>A (NM_001178063.3); c.46+1002G>A (NM_001145903.3); short protein forms V109M, V80M.
Identifiers: ClinVar variation 2055423 (VCV002055423.3), dbSNP rs752154314, ClinGen allele CA3727346.